The following is an entry in ClinVar:

ClinVar aggregate classification (germline): Uncertain significance (1 of 4 stars; one submission).

Conditions:
Cardiovascular phenotype. Identifiers: MedGen CN230736.

Submission:

Ambry Genetics
Classification: Uncertain significance for Cardiovascular phenotype. Last evaluated: 2026-07-06. Review status: criteria provided, single submitter. Criteria: Ambry Variant Classification Scheme 2023. Collection method: clinical testing. Allele origin: germline.
Comment: The p.L1822R variant (also known as c.5465T>G), located in coding exon 35 of the MYH7 gene, results from a T to G substitution at nucleotide position 5465. The leucine at codon 1822 is replaced by arginine, an amino acid with dissimilar properties. This amino acid position is conserved. In addition, this alteration is predicted to be deleterious by in silico analysis. Based on the available evidence, the clinical significance of this variant remains unclear.

NM_000257.4(MYH7):c.5465T>G (p.Leu1822Arg)

Gene: MYH7 (myosin heavy chain 7; minus strand). Cytogenetic location: 14q11.2.
Variant type: single nucleotide variant.
Coding change: c.5465T>G on transcript NM_000257.4 (MANE Select); coding-DNA position 5465, T replaced by G.
Protein change: p.Leu1822Arg; replaces leucine 1822 with arginine.
Molecular consequence: missense variant.
Genome position (GRCh38, 1-based): chr14:23,415,089, A>C on the plus strand (T>G on the coding strand, the complement: MYH7 is on the minus strand). VCF-style: chr14-23415089-A-C. GRCh37 (hg19) VCF-style: chr14-23884298-A-C.
Other names: c.5465T>G, p.Leu1822Arg (NM_001407004.1); short protein forms L1822R.
Identifiers: ClinVar variation 5025162 (VCV005025162.1).